The following is an entry in ClinVar:

ClinVar aggregate classification (germline): Pathogenic (1 of 4 stars; one submission).

Conditions:
Holocarboxylase synthetase deficiency. Also called: MULTIPLE CARBOXYLASE DEFICIENCY, EARLY ONSET. Identifiers: Orphanet 79242, MedGen C0268581, MONDO:0009666, OMIM 253270.

Submission:

Labcorp Genetics (formerly Invitae), Labcorp
Classification: Pathogenic for Holocarboxylase synthetase deficiency. Last evaluated: 2023-07-26. Review status: criteria provided, single submitter. Criteria: Invitae Variant Classification Sherloc (09022015). Collection method: clinical testing. Allele origin: germline.
Comment: This variant is not present in population databases (gnomAD no frequency). For these reasons, this variant has been classified as Pathogenic. ClinVar contains an entry for this variant (Variation ID: 1454873). This variant has not been reported in the literature in individuals affected with HLCS-related conditions. This sequence change creates a premature translational stop signal (p.Glu108*) in the HLCS gene. It is expected to result in an absent or disrupted protein product. Loss-of-function variants in HLCS are known to be pathogenic (PMID: 16134170).

Literature cited by the submitters: PubMed 16134170.

NM_001352514.2(HLCS):c.763G>T (p.Glu255Ter)

Gene: HLCS (holocarboxylase synthetase; minus strand). Cytogenetic location: 21q22.13.
Variant type: single nucleotide variant.
Coding change: c.763G>T on transcript NM_001352514.2 (MANE Select); coding-DNA position 763, G replaced by T.
Protein change: p.Glu255Ter; replaces glutamic acid 255 with a stop codon.
Molecular consequence: nonsense. On other transcripts: non-coding transcript variant (2).
Genome position (GRCh38, 1-based): chr21:36,937,123, C>A on the plus strand (G>T on the coding strand, the complement: HLCS is on the minus strand). VCF-style: chr21-36937123-C-A. GRCh37 (hg19) VCF-style: chr21-38309423-C-A.
Other names: c.322G>T, p.Glu108Ter (NM_000411.8, NM_001242784.3, NM_001242785.2 and 4 more transcripts); short protein forms E108*, E255*.
Identifiers: ClinVar variation 1454873 (VCV001454873.6), dbSNP rs937407062, ClinGen allele CA409913302.